The following is an entry in ClinVar:

ClinVar aggregate classification (germline): Uncertain significance. Review status: criteria provided, multiple submitters, no conflicts (2 of 4 stars). 2 submissions from 2 submitters: Uncertain significance (2). Last evaluated 2023-05-03.

Allele frequency attached by ClinVar (database versions not stated): gnomAD exomes 0.00001; TOPMed 0.00002; gnomAD 0.00004; 1000 Genomes Project 30x 0.00016.
gnomAD v4.1: 15 of 1,576,652 alleles (0.00095%); highest among the groups gnomAD compares: South Asian, 0.0091%; no homozygotes.

Submissions (2):

Ambry Genetics
Classification: Uncertain significance. Last evaluated: 2023-05-03. Review status: criteria provided, single submitter. Criteria: Ambry Variant Classification Scheme 2023. Collection method: clinical testing. Allele origin: germline.

Labcorp Genetics (formerly Invitae), Labcorp
Classification: Uncertain significance. Last evaluated: 2022-07-04. Review status: criteria provided, single submitter. Criteria: Invitae Variant Classification Sherloc (09022015). Collection method: clinical testing. Allele origin: germline.
Comment: In summary, the available evidence is currently insufficient to determine the role of this variant in disease. Therefore, it has been classified as a Variant of Uncertain Significance. Algorithms developed to predict the effect of missense changes on protein structure and function (SIFT, PolyPhen-2, Align-GVGD) all suggest that this variant is likely to be disruptive. This variant has not been reported in the literature in individuals affected with MYH7B-related conditions. This variant is present in population databases (no rsID available, gnomAD 0.007%). This sequence change replaces arginine, which is basic and polar, with tryptophan, which is neutral and slightly polar, at codon 1748 of the MYH7B protein (p.Arg1748Trp).

NM_020884.7(MYH7B):c.5116C>T (p.Arg1706Trp)

Gene: MYH7B (myosin heavy chain 7B; plus strand). Cytogenetic location: 20q11.22.
Variant type: single nucleotide variant.
Coding change: c.5116C>T on transcript NM_020884.7 (MANE Select); coding-DNA position 5116, C replaced by T.
Protein change: p.Arg1706Trp; replaces arginine 1706 with tryptophan.
Molecular consequence: missense variant.
Genome position (GRCh38, 1-based): chr20:35,000,627, C>T. VCF-style: chr20-35000627-C-T. GRCh37 (hg19) VCF-style: chr20-33588430-C-T.
Other names: c.5242C>T (NM_020884.3); short protein forms R1706W.
Identifiers: ClinVar variation 1923645 (VCV001923645.7), dbSNP rs965467070, ClinGen allele CA313488144.